The following is an entry in ClinVar:

ClinVar aggregate classification (germline): Uncertain significance (1 of 4 stars; one submission).

Conditions:
Severe combined immunodeficiency, autosomal recessive, T cell-negative, B cell-negative, NK cell-positive. Also called: SCID, AR, T-cell negative, B-cell negative, NK cell-positive; SCID, T CELL-NEGATIVE, B CELL-NEGATIVE, NK CELL-POSITIVE; Severe combined immunodeficiency due to complete RAG1/2 deficiency. Identifiers: Orphanet 331206, MedGen C1832322, MONDO:0011086, OMIM 601457.
Combined immunodeficiency with skin granulomas. Identifiers: Orphanet 157949, MedGen C2673536, MONDO:0009306, OMIM 233650.

Allele frequency attached by ClinVar (database versions not stated): 1000 Genomes Project 30x 0.00016; 1000 Genomes Project 0.00020.

Submission:

Labcorp Genetics (formerly Invitae), Labcorp
Classification: Uncertain significance for Combined immunodeficiency with skin granulomas; Severe combined immunodeficiency, autosomal recessive, T cell-negative, B cell-negative, NK cell-positive. Last evaluated: 2022-07-23. Review status: criteria provided, single submitter. Criteria: Invitae Variant Classification Sherloc (09022015). Collection method: clinical testing. Allele origin: germline.
Comment: This sequence change replaces arginine, which is basic and polar, with proline, which is neutral and non-polar, at codon 464 of the RAG2 protein (p.Arg464Pro). This variant is present in population databases (rs147748696, gnomAD 0.02%). This variant has not been reported in the literature in individuals affected with RAG2-related conditions. Advanced modeling of protein sequence and biophysical properties (such as structural, functional, and spatial information, amino acid conservation, physicochemical variation, residue mobility, and thermodynamic stability) performed at Invitae indicates that this missense variant is not expected to disrupt RAG2 protein function. In summary, the available evidence is currently insufficient to determine the role of this variant in disease. Therefore, it has been classified as a Variant of Uncertain Significance.

NM_000536.4(RAG2):c.1391G>C (p.Arg464Pro)

Gene: RAG2 (recombination activating 2; minus strand). Cytogenetic location: 11p12.
Variant type: single nucleotide variant.
Coding change: c.1391G>C on transcript NM_000536.4 (MANE Select); coding-DNA position 1391, G replaced by C.
Protein change: p.Arg464Pro; replaces arginine 464 with proline.
Molecular consequence: missense variant.
Genome position (GRCh38, 1-based): chr11:36,592,778, C>G on the plus strand (G>C on the coding strand, the complement: RAG2 is on the minus strand). VCF-style: chr11-36592778-C-G. GRCh37 (hg19) VCF-style: chr11-36614328-C-G.
Other names: c.1391G>C, p.Arg464Pro (NM_001243785.2, NM_001243786.2); short protein forms R464P.
Identifiers: ClinVar variation 1905463 (VCV001905463.2), dbSNP rs147748696, ClinGen allele CA5950423.